The following is an entry in ClinVar:

NM_000302.4(PLOD1):c.2172C>T (p.Phe724=)

Gene: PLOD1 (procollagen-lysine,2-oxoglutarate 5-dioxygenase 1; plus strand). Cytogenetic location: 1p36.22.
Variant type: single nucleotide variant.
Coding change: c.2172C>T on transcript NM_000302.4 (MANE Select); coding-DNA position 2172, C replaced by T.
Protein change: p.Phe724=; no amino-acid change (phenylalanine 724 retained).
Molecular consequence: synonymous variant.
Genome position (GRCh38, 1-based): chr1:11,974,796, C>T. VCF-style: chr1-11974796-C-T. GRCh37 (hg19) VCF-style: chr1-12034853-C-T.
Other names: p.Phe724=; c.2313C>T, p.Phe771= (NM_001316320.2).
Identifiers: ClinVar variation 1146879 (VCV001146879.12), dbSNP rs1255270684, ClinGen allele CA416108492.

ClinVar aggregate classification (germline): Likely benign. Review status: criteria provided, multiple submitters, no conflicts (2 of 4 stars). 3 submissions from 3 submitters: Likely benign (3). Last evaluated 2025-06-11.

Conditions:
Familial thoracic aortic aneurysm and aortic dissection (TAAD). Also called: Thoracic aortic aneurysms and dissections. Identifiers: Orphanet 91387, MedGen C4707243, MONDO:0019625.
Ehlers-Danlos syndrome, kyphoscoliotic type 1 (EDSKSCL1). Also called: EHLERS-DANLOS SYNDROME, TYPE VIA; EHLERS-DANLOS SYNDROME, OCULAR-SCOLIOTIC TYPE; Ehlers-Danlos syndrome, hydroxylysine-deficient; PLOD1-Related Kyphoscoliotic Ehlers-Danlos Syndrome. Identifiers: Orphanet 1900, MedGen C0268342, MONDO:0016002, OMIM 225400. Disease mechanism: loss of function.

Allele frequency attached by ClinVar (database versions not stated): gnomAD 0.00001; gnomAD exomes 0.00001; TOPMed 0.00001.
gnomAD v4.1: 13 of 1,614,030 alleles (0.00081%); highest among the groups gnomAD compares: Admixed American, 0.0017%; no homozygotes.

Submissions (3):

Mayo Clinic Laboratories, Mayo Clinic
Classification: Likely benign. Last evaluated: 2025-06-11. Review status: criteria provided, single submitter. Criteria: ACMG Guidelines, 2015. Collection method: clinical testing. Allele origin: germline. Observed: 1 variant allele.
Comment: BP4, BP7, PM2_supporting

Labcorp Genetics (formerly Invitae), Labcorp
Classification: Likely benign for Ehlers-Danlos syndrome, kyphoscoliotic type 1. Last evaluated: 2024-01-11. Review status: criteria provided, single submitter. Criteria: Invitae Variant Classification Sherloc (09022015). Collection method: clinical testing. Allele origin: germline.

Ambry Genetics
Classification: Likely benign for Familial thoracic aortic aneurysm and aortic dissection. Last evaluated: 2021-03-13. Review status: criteria provided, single submitter. Criteria: Ambry Variant Classification Scheme 2023. Collection method: clinical testing. Allele origin: germline.